The following is an entry in ClinVar:

NM_012062.5(DNM1L):c.1674+36T>A

Gene: DNM1L (dynamin 1 like; plus strand). Cytogenetic location: 12p11.21.
Variant type: single nucleotide variant.
Coding change: c.1674+36T>A on transcript NM_012062.5 (MANE Select); 36 bases into the intron after coding-DNA position 1674, T replaced by A.
Molecular consequence: intron variant.
Genome position (GRCh38, 1-based): chr12:32,737,978, T>A. VCF-style: chr12-32737978-T-A. GRCh37 (hg19) VCF-style: chr12-32890912-T-A.
Other names: c.1713+36T>A (NM_001278464.2, NM_001278465.2); c.1635+817T>A (NM_001330380.2); c.1065+36T>A (NM_001278466.2); c.1674+36T>A (NM_001278463.2); c.1597-286T>A (NM_012063.4); c.1596+817T>A (NM_005690.5).
Identifiers: ClinVar variation 671645 (VCV000671645.5), dbSNP rs4506737, ClinGen allele CA6507647.

ClinVar aggregate classification (germline): Benign. Review status: criteria provided, multiple submitters, no conflicts (2 of 4 stars). 4 submissions from 3 submitters: Benign (4). Last evaluated 2021-07-30.

Conditions:
Encephalopathy, lethal, due to defective mitochondrial peroxisomal fission 1. Identifiers: Orphanet 330050, MedGen C3280660, MONDO:0013726, OMIM 614388.
Optic atrophy 5 (OPA5). Identifiers: Orphanet 98673, MedGen C1853139, MONDO:0012543, OMIM 610708.

Allele frequency attached by ClinVar (database versions not stated): gnomAD exomes 0.32294; ExAC 0.33276; 1000 Genomes Project 0.39018; 1000 Genomes Project 30x 0.40100; gnomAD 0.40113; TOPMed 0.44125; ESP Exome Variant Server 0.46594.
gnomAD v4.1: 543,361 of 1,592,920 alleles (34%); highest among the groups gnomAD compares: African/African-American, 72%; 100,451 homozygotes.

Submissions (4):

Genome-Nilou Lab
Classification: Benign for Encephalopathy, lethal, due to defective mitochondrial peroxisomal fission 1. Last evaluated: 2021-07-30. Review status: criteria provided, single submitter. Criteria: ACMG Guidelines, 2015. Collection method: clinical testing. Allele origin: germline. Affected: no.

Genome-Nilou Lab
Classification: Benign for Optic atrophy 5. Last evaluated: 2021-07-30. Review status: criteria provided, single submitter. Criteria: ACMG Guidelines, 2015. Collection method: clinical testing. Allele origin: germline. Affected: no.

GeneDx
Classification: Benign. Last evaluated: 2018-06-14. Review status: criteria provided, single submitter. Criteria: GeneDx Variant Classification (06012015). Collection method: clinical testing. Allele origin: germline. Affected: yes.
Comment: This variant is considered likely benign or benign based on one or more of the following criteria: it is a conservative change, it occurs at a poorly conserved position in the protein, it is predicted to be benign by multiple in silico algorithms, and/or has population frequency not consistent with disease.

Breakthrough Genomics
Classification: Benign. Review status: criteria provided, single submitter. Criteria: ACMG Guidelines, 2015. Collection method: not provided. Allele origin: germline. Inheritance: Autosomal recessive inheritance. Affected: yes.